The following is an entry in ClinVar:

NM_004281.4(BAG3):c.1531C>A (p.Gln511Lys)

Gene: BAG3 (BAG cochaperone 3; plus strand). Cytogenetic location: 10q26.11.
Variant type: single nucleotide variant.
Coding change: c.1531C>A on transcript NM_004281.4 (MANE Select); coding-DNA position 1531, C replaced by A.
Protein change: p.Gln511Lys; replaces glutamine 511 with lysine.
Molecular consequence: missense variant.
Genome position (GRCh38, 1-based): chr10:119,677,085, C>A. VCF-style: chr10-119677085-C-A. GRCh37 (hg19) VCF-style: chr10-121436597-C-A.
Other names: short protein forms Q511K.
Identifiers: ClinVar variation 2925722 (VCV002925722.2), dbSNP rs781630937, ClinGen allele CA378297525.

ClinVar aggregate classification (germline): Uncertain significance. Review status: criteria provided, multiple submitters, no conflicts (2 of 4 stars). 2 submissions from 2 submitters: Uncertain significance (2). Last evaluated 2024-10-07.

Conditions:
Cardiovascular phenotype. Identifiers: MedGen CN230736.
Myofibrillar myopathy 6. Identifiers: Orphanet 199340, MedGen C2751831, MONDO:0013061, OMIM 612954.
Dilated cardiomyopathy 1HH (CMD1HH). Identifiers: Orphanet 154, MedGen C3151293, MONDO:0013479, OMIM 613881.

gnomAD v4.1: 1 of 1,614,118 alleles (0.000062%); highest among the groups gnomAD compares: East Asian, 0.0022%; no homozygotes.

Submissions (2):

Ambry Genetics
Classification: Uncertain significance for Cardiovascular phenotype. Last evaluated: 2024-10-07. Review status: criteria provided, single submitter. Criteria: Ambry Variant Classification Scheme 2023. Collection method: clinical testing. Allele origin: germline.
Comment: The p.Q511K variant (also known as c.1531C>A), located in coding exon 4 of the BAG3 gene, results from a C to A substitution at nucleotide position 1531. The glutamine at codon 511 is replaced by lysine, an amino acid with similar properties. This amino acid position is conserved. In addition, the in silico prediction for this alteration is inconclusive. Based on the available evidence, the clinical significance of this variant remains unclear.

Labcorp Genetics (formerly Invitae), Labcorp
Classification: Uncertain significance for Dilated cardiomyopathy 1HH; Myofibrillar myopathy 6. Last evaluated: 2023-02-16. Review status: criteria provided, single submitter. Criteria: Invitae Variant Classification Sherloc (09022015). Collection method: clinical testing. Allele origin: germline.
Comment: This sequence change replaces glutamine, which is neutral and polar, with lysine, which is basic and polar, at codon 511 of the BAG3 protein (p.Gln511Lys). This variant is not present in population databases (gnomAD no frequency). This variant has not been reported in the literature in individuals affected with BAG3-related conditions. Advanced modeling of protein sequence and biophysical properties (such as structural, functional, and spatial information, amino acid conservation, physicochemical variation, residue mobility, and thermodynamic stability) performed at Invitae indicates that this missense variant is not expected to disrupt BAG3 protein function. In summary, the available evidence is currently insufficient to determine the role of this variant in disease. Therefore, it has been classified as a Variant of Uncertain Significance.